The following is an entry in ClinVar:

NM_020982.4(CLDN9):c.510G>A (p.Ala170=)

Gene: CLDN9 (claudin 9; plus strand). Cytogenetic location: 16p13.3.
Variant type: single nucleotide variant.
Coding change: c.510G>A on transcript NM_020982.4 (MANE Select); coding-DNA position 510, G replaced by A.
Protein change: p.Ala170=; no amino-acid change (alanine 170 retained).
Molecular consequence: synonymous variant.
Genome position (GRCh38, 1-based): chr16:3,013,872, G>A. VCF-style: chr16-3013872-G-A. GRCh37 (hg19) VCF-style: chr16-3063873-G-A.
Identifiers: ClinVar variation 3911142 (VCV003911142.5).

ClinVar aggregate classification (germline): Benign/Likely benign. Review status: criteria provided, multiple submitters, no conflicts (2 of 4 stars). 2 submissions from 2 submitters: Benign (1); Likely benign (1). Last evaluated 2026-02-01.

gnomAD v4.1: 61 of 1,611,812 alleles (0.0038%); highest among the groups gnomAD compares: African/African-American, 0.0093%; no homozygotes.

Submissions (2):

CeGaT Center for Human Genetics Tuebingen
Classification: Likely benign. Last evaluated: 2026-02-01. Review status: criteria provided, single submitter. Criteria: CeGaT Center For Human Genetics Tuebingen Variant Classification Criteria Version 2. Collection method: clinical testing. Allele origin: germline. Affected: yes. Observed: 1 variant allele.
Comment: CLDN9: BP4, BP7

Laboratory of Genetics, Children's Clinical University Hospital Latvia
Classification: Benign. Last evaluated: 2025-02-16. Review status: criteria provided, single submitter. Criteria: ACMG Guidelines, 2015. Collection method: clinical testing. Allele origin: germline. Affected: yes.